The following is an entry in ClinVar:

ClinVar aggregate classification (germline): Pathogenic (1 of 4 stars; one submission).

Submission:

Labcorp Genetics (formerly Invitae), Labcorp
Classification: Pathogenic. Last evaluated: 2023-10-06. Review status: criteria provided, single submitter. Criteria: Invitae Variant Classification Sherloc (09022015). Collection method: clinical testing. Allele origin: germline.
Comment: This sequence change creates a premature translational stop signal (p.Asn89Lysfs*22) in the ANO6 gene. It is expected to result in an absent or disrupted protein product. Loss-of-function variants in ANO6 are known to be pathogenic (PMID: 21107324, 21511967, 27879994). This variant is not present in population databases (gnomAD no frequency). This variant has not been reported in the literature in individuals affected with ANO6-related conditions. For these reasons, this variant has been classified as Pathogenic.

Literature cited by the submitters: PubMed 21107324; PubMed 21511967; PubMed 27879994.

NM_001025356.3(ANO6):c.267del (p.Asn89fs)

Gene: ANO6 (anoctamin 6; plus strand). Cytogenetic location: 12q12.
Variant type: Deletion.
Coding change: c.267del on transcript NM_001025356.3 (MANE Select); coding-DNA position 267, one base deleted (T; older notation c.267delT).
Protein change: p.Asn89fs; shifts the reading frame from asparagine 89.
Molecular consequence: frameshift variant.
Genome position (GRCh38, 1-based): chr12:45,331,411, T deleted. VCF-style (leftmost placement, unchanged base first): chr12-45331410-AT-A. GRCh37 (hg19) VCF-style: chr12-45725193-AT-A.
Other names: c.213del, p.Asn71fs (NM_001142678.2); c.267del, p.Asn89fs (NM_001142679.2); c.330del, p.Asn110fs (NM_001204803.2); c.234del, p.Asn78fs (NM_001410973.1); short protein forms N71fs, N110fs, N78fs, N89fs.
Identifiers: ClinVar variation 2766467 (VCV002766467.3), dbSNP rs2525938436, ClinGen allele CA2697559186.